The following is an entry in ClinVar:

NM_007294.4(BRCA1):c.141_142insT (p.Met48fs)

Gene: BRCA1 (BRCA1 DNA repair associated; minus strand). Cytogenetic location: 17q21.31.
Variant type: Insertion.
Coding change: c.141_142insT on transcript NM_007294.4 (MANE Select); coding-DNA positions 141 to 142, T inserted.
Protein change: p.Met48fs; shifts the reading frame from methionine 48.
Molecular consequence: frameshift variant. On other transcripts: non-coding transcript variant (1).
Genome position: GRCh38 VCF-style: chr17-43106526-T-TA. GRCh37 (hg19) VCF-style: chr17-41258543-T-TA.
Other names: c.141_142insT, p.Met48Tyrfs (NM_001407614.1, NM_001407615.1, NM_001407616.1 and 166 more transcripts); c.-1_1insT, p.Met(?_1)_Met1(?) (NM_001407692.1, NM_001407694.1, NM_001407695.1 and 98 more transcripts); c.-48_-47insT (NM_001407853.1, NM_001407879.1, NM_001407881.1 and 58 more transcripts); c.-1_1insT, p.Met1fs (NM_007297.4); c.141_142insT, p.Met48fs (NM_007299.4, NM_007300.4); short protein forms M48fs, M1fs.
Identifiers: ClinVar variation 548198 (VCV000548198.2), dbSNP rs1555597309, ClinGen allele CA658823841.
Genomic context (GRCh38, chr17:43,106,526, plus strand): 5'-TATCATTCTTACATAAAGGACACTGTGAAGGCCCTTTCTTCTGGTTGAGAAGTTTCAGCA[T>TA]GCAAAATCTATAAATTATAAAGAAAGAAAGAACAATTTAATTTACTTCCTTTTGTAGAAA-3'

ClinVar aggregate classification (germline): Pathogenic (3 of 4 stars; one submission).

Conditions:
Breast-ovarian cancer, familial, susceptibility to, 1 (BROVCA1). Also called: BRCA1 Hereditary Breast and Ovarian Cancer; OVARIAN CANCER, SUSCEPTIBILITY TO. Identifiers: Orphanet 145, MedGen C2676676, MONDO:0011450, OMIM 604370. Disease mechanism: loss of function.

Submission:

Evidence-based Network for the Interpretation of Germline Mutant Alleles (ENIGMA)
Classification: Pathogenic for Breast-ovarian cancer, familial, susceptibility to, 1. Last evaluated: 2017-12-15. Review status: reviewed by expert panel. Criteria: ENIGMA BRCA1/2 Classification Criteria (2017-06-29). Collection method: curation. Allele origin: germline. Study: ENIGMA.
Comment: Variant allele predicted to encode a truncated non-functional protein.